The following is an entry in ClinVar:

ClinVar aggregate classification (germline): Uncertain significance (1 of 4 stars; one submission).

Allele frequency attached by ClinVar (database versions not stated): ExAC 0.00001; gnomAD 0.00001; ESP Exome Variant Server 0.00008.

Submission:

Ambry Genetics
Classification: Uncertain significance. Last evaluated: 2022-08-09. Review status: criteria provided, single submitter. Criteria: Ambry Variant Classification Scheme 2023. Collection method: clinical testing. Allele origin: germline.
Comment: The p.T1426K variant (also known as c.4277C>A), located in coding exon 4 of the ALPK2 gene, results from a C to A substitution at nucleotide position 4277. The threonine at codon 1426 is replaced by lysine, an amino acid with similar properties. This amino acid position is conserved. In addition, this alteration is predicted to be tolerated by in silico analysis. Since supporting evidence is limited at this time, the clinical significance of this alteration remains unclear.

NM_052947.4(ALPK2):c.4277C>A (p.Thr1426Lys)

Genes: ALPK2 (alpha kinase 2; minus strand), LOC126862764 (BRD4-independent group 4 enhancer GRCh37_chr18:56202574-56203773; plus strand). Cytogenetic location: 18q21.31.
Variant type: single nucleotide variant.
Coding change: c.4277C>A on transcript NM_052947.4 (MANE Select); coding-DNA position 4277, C replaced by A.
Protein change: p.Thr1426Lys; replaces threonine 1426 with lysine.
Molecular consequence: missense variant.
Genome position (GRCh38, 1-based): chr18:58,535,910, G>T on the plus strand (C>A on the coding strand, the complement: ALPK2 is on the minus strand). VCF-style: chr18-58535910-G-T. GRCh37 (hg19) VCF-style: chr18-56203142-G-T.
Other names: short protein forms T1426K.
Identifiers: ClinVar variation 1739298 (VCV001739298.2), dbSNP rs145447623, ClinGen allele CA8976743.
Genomic context (GRCh38, chr18:58,535,910, plus strand): 5'-TCCGCTTCGTGGCCCATGTTTCCGTCATTTGATTGACCCCCTTCTCTGGCGCCCTGTGGT[G>T]TGGTTTCAGAGGGCTCTGGTTTTCCAGCCCTGGTGTACTCTATCACACTTATCTCATCAA-3'
Protein context (NP_443179.3, residues 1416-1436): RAGKPEPSET[Thr1426Lys]PQGAREGGQS